The following is an entry in ClinVar:

ClinVar aggregate classification (germline): Uncertain significance (1 of 4 stars; one submission).

Conditions:
Familial thoracic aortic aneurysm and aortic dissection (TAAD). Also called: Thoracic aortic aneurysms and dissections. Identifiers: Orphanet 91387, MedGen C4707243, MONDO:0019625.

Submission:

All of Us Research Program, National Institutes of Health
Classification: Uncertain significance for Familial thoracic aortic aneurysm and aortic dissection. Last evaluated: 2023-06-28. Review status: criteria provided, single submitter. Criteria: ACMG Guidelines, 2015. Collection method: clinical testing. Allele origin: germline. Inheritance: Autosomal dominant inheritance. Observed: 1 variant allele, 1 heterozygote.
Comment: This study involves interpretation of variants in research participants for the purpose of population health screening. Participant phenotype was not available at the time of variant classification. Additional details can be found in publication PMID: 35346344, PMCID: PMC8962531

NM_002474.3(MYH11):c.2204C>A (p.Ala735Asp)

Gene: MYH11 (myosin heavy chain 11; minus strand). Cytogenetic location: 16p13.11.
Variant type: single nucleotide variant.
Coding change: c.2204C>A on transcript NM_002474.3 (MANE Select); coding-DNA position 2204, C replaced by A.
Protein change: p.Ala735Asp; replaces alanine 735 with aspartic acid.
Molecular consequence: missense variant.
Genome position (GRCh38, 1-based): chr16:15,747,920, G>T on the plus strand (C>A on the coding strand, the complement: MYH11 is on the minus strand). VCF-style: chr16-15747920-G-T. GRCh37 (hg19) VCF-style: chr16-15841777-G-T.
Other names: c.2225C>A, p.Ala742Asp (NM_001040113.2, NM_001040114.2); c.2204C>A, p.Ala735Asp (NM_022844.3); short protein forms A735D, A742D.
Identifiers: ClinVar variation 3071705 (VCV003071705.1), dbSNP rs2506270748, ClinGen allele CA394867795.